The following is an entry in ClinVar:

NM_001374353.1(GLI2):c.3168C>T (p.His1056=)

Gene: GLI2 (GLI family zinc finger 2; plus strand). Cytogenetic location: 2q14.2.
Variant type: single nucleotide variant.
Coding change: c.3168C>T on transcript NM_001374353.1 (MANE Select); coding-DNA position 3168, C replaced by T.
Protein change: p.His1056=; no amino-acid change (histidine 1056 retained).
Molecular consequence: synonymous variant.
Genome position (GRCh38, 1-based): chr2:120,989,133, C>T. VCF-style: chr2-120989133-C-T. GRCh37 (hg19) VCF-style: chr2-121746709-C-T.
Other names: c.3219C>T, p.His1073= (NM_001371271.1, NM_005270.5); c.2793C>T, p.His931= (NM_001374354.1).
Identifiers: ClinVar variation 3772154 (VCV003772154.13).

ClinVar aggregate classification (germline): Likely benign (1 of 4 stars; one submission).

gnomAD v4.1: 2 of 1,612,998 alleles (0.00012%); highest among the groups gnomAD compares: Non-Finnish European, 0.00017%; no homozygotes.

Submission:

CeGaT Center for Human Genetics Tuebingen
Classification: Likely benign. Last evaluated: 2024-12-01. Review status: criteria provided, single submitter. Criteria: CeGaT Center For Human Genetics Tuebingen Variant Classification Criteria Version 2. Collection method: clinical testing. Allele origin: germline. Affected: yes. Observed: 1 variant allele.
Comment: GLI2: BP4, BP7